The following is an entry in ClinVar:

NM_014252.4(SLC25A15):c.824G>A (p.Arg275Gln)

Gene: SLC25A15 (solute carrier family 25 member 15; plus strand). Cytogenetic location: 13q14.11.
Variant type: single nucleotide variant.
Coding change: c.824G>A on transcript NM_014252.4 (MANE Select); coding-DNA position 824, G replaced by A.
Protein change: p.Arg275Gln; replaces arginine 275 with glutamine.
Molecular consequence: missense variant.
Genome position (GRCh38, 1-based): chr13:40,809,585, G>A. VCF-style: chr13-40809585-G-A. GRCh37 (hg19) VCF-style: chr13-41383721-G-A.
Other names: short protein forms R275Q.
Identifiers: ClinVar variation 5996 (VCV000005996.7), dbSNP rs104894431, ClinGen allele CA340491.
Genomic context (GRCh38, chr13:40,809,585, plus strand): 5'-CGCCCTTTTATTTGCTAGGAATAACGGCCTTATATTCTGGACTGAAACCTACTATGATTC[G>A]AGCATTCCCTGCCAATGGAGCACTCTTTTTGGCCTACGAATATAGCAGGAAGTTGATGAT-3'
Protein context (NP_055067.1, residues 265-285): LYSGLKPTMI[Arg275Gln]AFPANGALFL

ClinVar aggregate classification (germline): Likely pathogenic. Review status: criteria provided, single submitter (1 of 4 stars). 3 submissions from 3 submitters: Likely pathogenic (1). 2 of the submissions do not count toward it. Last evaluated 2025-09-29.

Conditions:
Hyperornithinemia-hyperammonemia-homocitrullinuria syndrome (HHHS). Also called: HHH SYNDROME; Ornithine translocase deficiency. Identifiers: Orphanet 415, MedGen C0268540, MONDO:0009393, OMIM 238970.

Allele frequency attached by ClinVar (database versions not stated): gnomAD 0.00001; TOPMed 0.00001.
gnomAD v4.1: 9 of 1,611,900 alleles (0.00056%); highest among the groups gnomAD compares: Admixed American, 0.0033%; no homozygotes.

Submissions (3):

Natera, Inc.
Classification: Likely pathogenic for Hyperornithinemia-hyperammonemia-homocitrullinuria syndrome. Last evaluated: 2025-09-29. Review status: criteria provided, single submitter. Criteria: Natera Variant Classification Schema (03/2026). Collection method: clinical testing. Allele origin: germline.
Comment: The c.824G>A variant in SLC25A15 is a missense variant predicted to cause substitution of arginine to glutamine at amino acid 275. This variant is rare in the general population with a frequency below the threshold expected for the associated phenotype(s). This variant has been observed in one or more individuals affected with the associated recessive disease, as either homozygous or compound heterozygous with a second variant (PMID: 11552031, 19651321). Functional studies show that this variant may disrupt protein function (PMID: 39314408). Computational prediction algorithms indicate this variant is likely to affect gene or protein function. Given the available evidence, this variant is classified as Likely Pathogenic.

OMIM
Classification: Pathogenic for HHH SYNDROME. Last evaluated: 2001-09-11. Review status: no assertion criteria provided. Collection method: literature only. Allele origin: germline. Not counted in ClinVar's aggregate classification.

GeneReviews
No classification provided. Condition: Hyperornithinemia-hyperammonemia-homocitrullinuria syndrome. Review status: no classification provided. Collection method: literature only. Allele origin: unknown. Not counted in ClinVar's aggregate classification.

Literature cited by the submitters: PubMed 11552031 (cited by Natera, Inc. and OMIM); PubMed 19651321 (cited by Natera, Inc.); PubMed 39314408 (cited by Natera, Inc.); PubMed 22649802 (cited by GeneReviews); NCBI Bookshelf NBK97260 (cited by GeneReviews).